The following is an entry in ClinVar:

ClinVar aggregate classification (germline): Uncertain significance. Review status: criteria provided, multiple submitters, no conflicts (2 of 4 stars). 5 submissions from 3 submitters: Uncertain significance (5). Last evaluated 2025-06-20.

Conditions:
Cardiomyopathy, familial restrictive, 3. Identifiers: Orphanet 75249, MedGen C2676271, MONDO:0012900, OMIM 612422.
Cardiovascular phenotype. Identifiers: MedGen CN230736.
Hypertrophic cardiomyopathy 2. Also called: TNNT2-Related Familial Hypertrophic Cardiomyopathy. Identifiers: MedGen C1861864, MONDO:0007266, OMIM 115195.
Dilated cardiomyopathy 1D. Identifiers: Orphanet 154, Orphanet 54260, MedGen C1832243, MONDO:0011095, OMIM 601494.

Allele frequency attached by ClinVar (database versions not stated): gnomAD exomes below 0.00001.
gnomAD v4.1: 5 of 1,613,264 alleles (0.00031%); highest among the groups gnomAD compares: South Asian, 0.0011%; no homozygotes.

Submissions (5):

Labcorp Genetics (formerly Invitae), Labcorp
Classification: Uncertain significance for Cardiomyopathy, familial restrictive, 3; Hypertrophic cardiomyopathy 2; Dilated cardiomyopathy 1D. Last evaluated: 2025-06-20. Review status: criteria provided, single submitter. Criteria: Invitae Variant Classification Sherloc (09022015). Collection method: clinical testing. Allele origin: germline.
Comment: This sequence change replaces glutamic acid, which is acidic and polar, with lysine, which is basic and polar, at codon 145 of the TNNT2 protein (p.Glu145Lys). This variant is present in population databases (no rsID available, gnomAD 0.003%). This variant has not been reported in the literature in individuals affected with TNNT2-related conditions. ClinVar contains an entry for this variant (Variation ID: 469524). Invitae Evidence Modeling of protein sequence and biophysical properties (such as structural, functional, and spatial information, amino acid conservation, physicochemical variation, residue mobility, and thermodynamic stability) indicates that this missense variant is not expected to disrupt TNNT2 protein function with a negative predictive value of 80%. In summary, the available evidence is currently insufficient to determine the role of this variant in disease. Therefore, it has been classified as a Variant of Uncertain Significance.

Genome-Nilou Lab
Classification: Uncertain significance for Dilated cardiomyopathy 1D. Last evaluated: 2023-04-11. Review status: criteria provided, single submitter. Criteria: ACMG Guidelines, 2015. Collection method: clinical testing. Allele origin: germline. Affected: no.

Genome-Nilou Lab
Classification: Uncertain significance for Cardiomyopathy, familial restrictive, 3. Last evaluated: 2023-04-11. Review status: criteria provided, single submitter. Criteria: ACMG Guidelines, 2015. Collection method: clinical testing. Allele origin: germline. Affected: no.

Genome-Nilou Lab
Classification: Uncertain significance for Hypertrophic cardiomyopathy 2. Last evaluated: 2023-04-11. Review status: criteria provided, single submitter. Criteria: ACMG Guidelines, 2015. Collection method: clinical testing. Allele origin: germline. Affected: no.

Ambry Genetics
Classification: Uncertain significance for Cardiovascular phenotype. Last evaluated: 2020-10-22. Review status: criteria provided, single submitter. Criteria: Ambry Variant Classification Scheme 2023. Collection method: clinical testing. Allele origin: germline.
Comment: The p.E145K variant (also known as c.433G>A), located in coding exon 9 of the TNNT2 gene, results from a G to A substitution at nucleotide position 433. The glutamic acid at codon 145 is replaced by lysine, an amino acid with similar properties. This amino acid position is well conserved in available vertebrate species. In addition, the in silico prediction for this alteration is inconclusive. Since supporting evidence is limited at this time, the clinical significance of this alteration remains unclear.

NM_001276345.2(TNNT2):c.463G>A (p.Glu155Lys)

Gene: TNNT2 (troponin T2, cardiac type; minus strand). Cytogenetic location: 1q32.1.
Variant type: single nucleotide variant.
Coding change: c.463G>A on transcript NM_001276345.2 (MANE Select); coding-DNA position 463, G replaced by A.
Protein change: p.Glu155Lys; replaces glutamic acid 155 with lysine.
Molecular consequence: missense variant.
Genome position (GRCh38, 1-based): chr1:201,364,324, C>T on the plus strand (G>A on the coding strand, the complement: TNNT2 is on the minus strand). VCF-style: chr1-201364324-C-T. GRCh37 (hg19) VCF-style: chr1-201333452-C-T.
Other names: c.463G>A, p.Glu155Lys (NM_000364.4); c.433G>A, p.Glu145Lys (NM_001001430.3, NM_001001431.3, NM_001276347.2); c.418G>A, p.Glu140Lys (NM_001001432.3); c.343G>A, p.Glu115Lys (NM_001276346.2); short protein forms E155K, E145K, E140K, E115K.
Identifiers: ClinVar variation 469524 (VCV000469524.13), dbSNP rs984218824, ClinGen allele CA35422542.